The following is an entry in ClinVar:

NM_002907.4(RECQL):c.919C>A (p.Leu307Ile)

Gene: RECQL (RecQ like helicase; minus strand). Cytogenetic location: 12p12.1.
Variant type: single nucleotide variant.
Coding change: c.919C>A on transcript NM_002907.4 (MANE Select); coding-DNA position 919, C replaced by A.
Protein change: p.Leu307Ile; replaces leucine 307 with isoleucine.
Molecular consequence: missense variant.
Genome position (GRCh38, 1-based): chr12:21,476,941, G>T on the plus strand (C>A on the coding strand, the complement: RECQL is on the minus strand). VCF-style: chr12-21476941-G-T. GRCh37 (hg19) VCF-style: chr12-21629875-G-T.
Other names: c.919C>A, p.Leu307Ile (NM_032941.3); short protein forms L307I.
Identifiers: ClinVar variation 3313504 (VCV003313504.1).

ClinVar aggregate classification (germline): Uncertain significance (1 of 4 stars; one submission).

gnomAD v4.1: 2 of 1,608,964 alleles (0.00012%); highest among the groups gnomAD compares: Non-Finnish European, 0.00017%; no homozygotes.

Submission:

Ambry Genetics
Classification: Uncertain significance. Last evaluated: 2024-04-19. Review status: criteria provided, single submitter. Criteria: Ambry Variant Classification Scheme 2023. Collection method: clinical testing. Allele origin: germline.
Comment: The p.L307I variant (also known as c.919C>A), located in coding exon 7 of the RECQL gene, results from a C to A substitution at nucleotide position 919. The leucine at codon 307 is replaced by isoleucine, an amino acid with highly similar properties. This amino acid position is conserved. In addition, the in silico prediction for this alteration is inconclusive. Based on the available evidence, the clinical significance of this variant remains unclear.